The following is an entry in ClinVar:

NM_000038.6(APC):c.834+2554A>C

Gene: APC (APC regulator of WNT signaling pathway; plus strand). Cytogenetic location: 5q22.2.
Variant type: single nucleotide variant.
Coding change: c.834+2554A>C on transcript NM_000038.6 (MANE Select); 2554 bases into the intron after coding-DNA position 834, A replaced by C.
Molecular consequence: intron variant.
Genome position (GRCh38, 1-based): chr5:112,803,937, A>C. VCF-style: chr5-112803937-A-C. GRCh37 (hg19) VCF-style: chr5-112139634-A-C.
Other names: c.834+2554A>C (NM_001354895.2, NM_001127510.3, NM_001354896.2 and 1 more transcripts); c.864+2554A>C (NM_001354897.2, NM_001354902.2); c.780+2554A>C (NM_001127511.3); c.759+2554A>C (NM_001354898.2, NM_001354904.2); c.-202+2554A>C (NM_001354906.2); c.750+2554A>C (NM_001354899.2); c.657+2554A>C (NM_001354900.2, NM_001354901.2, NM_001354905.2).
Identifiers: ClinVar variation 83048 (VCV000083048.2), dbSNP rs75115654, ClinGen allele CA014654.

ClinVar aggregate classification (germline): other (0 of 4 stars; one submission).

Conditions:
Familial colorectal cancer. Identifiers: MedGen CN280943, MONDO:0023113. Disease mechanism: loss of function.

Submission:

Systems Biology Platform Zhejiang California International NanoSystems Institute
Classification: other for Familial colorectal cancer. Review status: no assertion criteria provided. Collection method: not provided. Allele origin: unknown.
ClinVar note: Converted during submission from cancer to other.